The following is an entry in ClinVar:

NM_006949.4(STXBP2):c.1003C>T (p.Gln335Ter)

Gene: STXBP2 (syntaxin binding protein 2; plus strand). Cytogenetic location: 19p13.2.
Variant type: single nucleotide variant.
Coding change: c.1003C>T on transcript NM_006949.4 (MANE Select); coding-DNA position 1003, C replaced by T.
Protein change: p.Gln335Ter; replaces glutamine 335 with a stop codon.
Molecular consequence: nonsense. On other transcripts: non-coding transcript variant (1).
Genome position (GRCh38, 1-based): chr19:7,643,025, C>T. VCF-style: chr19-7643025-C-T. GRCh37 (hg19) VCF-style: chr19-7707911-C-T.
Other names: c.994C>T, p.Gln332Ter (NM_001127396.3); c.1036C>T, p.Gln346Ter (NM_001272034.2); c.907C>T, p.Gln303Ter (NM_001414484.1); short protein forms Q303*, Q346*, Q332*, Q335*.
Identifiers: ClinVar variation 2780424 (VCV002780424.3), dbSNP rs2512700267, ClinGen allele CA403160607.
Genomic context (GRCh38, chr19:7,643,025, plus strand): 5'-TTCCCCCTACTTCCCCAGGCGAACATCAAAGACCTATCCCAGATCCTGAAAAAGATGCCG[C>T]AGTACCAGAAGGAGCTGAATAAGGTGTGCTCGGGTGGGCAGGGAGCGGGGACACCTCGGC-3'

ClinVar aggregate classification (germline): Pathogenic (1 of 4 stars; one submission).

Conditions:
Familial hemophagocytic lymphohistiocytosis 5. Also called: STXBP2-Related Familial Hemophagocytic Lymphohistiocytosis (STXBP2-fHLH). Identifiers: Orphanet 540, MedGen C2751293, MONDO:0013135, OMIM 613101.

Submission:

Labcorp Genetics (formerly Invitae), Labcorp
Classification: Pathogenic for Familial hemophagocytic lymphohistiocytosis 5. Last evaluated: 2023-06-25. Review status: criteria provided, single submitter. Criteria: Invitae Variant Classification Sherloc (09022015). Collection method: clinical testing. Allele origin: germline.
Comment: For these reasons, this variant has been classified as Pathogenic. This variant is also known as p.Q346*. This premature translational stop signal has been observed in individual(s) with primary immunodeficiencies (PMID: 32531373). This variant is not present in population databases (gnomAD no frequency). This sequence change creates a premature translational stop signal (p.Gln335*) in the STXBP2 gene. It is expected to result in an absent or disrupted protein product. Loss-of-function variants in STXBP2 are known to be pathogenic (PMID: 19804848, 22451424).

Literature cited by the submitters: PubMed 32531373; PubMed 19804848; PubMed 22451424.